The following is an entry in ClinVar:

ClinVar aggregate classification (germline): Uncertain significance (1 of 4 stars; one submission).

Conditions:
Dilated cardiomyopathy 1Z (CMD1Z). Identifiers: Orphanet 154, MedGen C2678475, MONDO:0012745, OMIM 611879.
Hypertrophic cardiomyopathy 13. Also called: TNNC1-Related Familial Hypertrophic Cardiomyopathy. Identifiers: MedGen C2750472, MONDO:0013195, OMIM 613243.

Submission:

Labcorp Genetics (formerly Invitae), Labcorp
Classification: Uncertain significance for Hypertrophic cardiomyopathy 13; Dilated cardiomyopathy 1Z. Last evaluated: 2024-07-16. Review status: criteria provided, single submitter. Criteria: Invitae Variant Classification Sherloc (09022015). Collection method: clinical testing. Allele origin: germline.
Comment: This sequence change replaces tyrosine, which is neutral and polar, with histidine, which is basic and polar, at codon 111 of the TNNC1 protein (p.Tyr111His). This variant is not present in population databases (gnomAD no frequency). This variant has not been reported in the literature in individuals affected with TNNC1-related conditions. An algorithm developed to predict the effect of missense changes on protein structure and function (PolyPhen-2) suggests that this variant is likely to be disruptive. In summary, the available evidence is currently insufficient to determine the role of this variant in disease. Therefore, it has been classified as a Variant of Uncertain Significance.

NM_003280.3(TNNC1):c.331T>C (p.Tyr111His)

Gene: TNNC1 (troponin C1, slow skeletal and cardiac type; minus strand). Cytogenetic location: 3p21.1.
Variant type: single nucleotide variant.
Coding change: c.331T>C on transcript NM_003280.3 (MANE Select); coding-DNA position 331, T replaced by C.
Protein change: p.Tyr111His; replaces tyrosine 111 with histidine.
Molecular consequence: missense variant.
Genome position (GRCh38, 1-based): chr3:52,451,514, A>G on the plus strand (T>C on the coding strand, the complement: TNNC1 is on the minus strand). VCF-style: chr3-52451514-A-G. GRCh37 (hg19) VCF-style: chr3-52485530-A-G.
Other names: short protein forms Y111H.
Identifiers: ClinVar variation 3757262 (VCV003757262.2).
Genomic context (GRCh38, chr3:52,451,514, plus strand): 5'-CCTCCGTGATGGTCTCGCCTGTAGCCTGCAGCATTATCTTCAGCTCATCCAGGTCGATGT[A>G]GCCATCAGCATTTCTGTGGGGAGGGGGCTCAGGGTAGGGCTGTGGGGAGGGCATGAGGCA-3'
Protein context (NP_003271.1, residues 101-121): FRMFDKNADG[Tyr111His]IDLDELKIML